The following is an entry in ClinVar:

ClinVar aggregate classification (germline): Uncertain significance. Review status: criteria provided, multiple submitters, no conflicts (2 of 4 stars). 2 submissions from 2 submitters: Uncertain significance (2). Last evaluated 2025-07-22.

Conditions:
Cardiovascular phenotype. Identifiers: MedGen CN230736.
Hereditary cancer-predisposing syndrome. Also called: Hereditary Cancer Syndrome; Hereditary neoplastic syndrome; Neoplastic Syndromes, Hereditary; Tumor predisposition. Identifiers: Orphanet 140162, MedGen C0027672, MeSH D009386, MONDO:0015356.

Allele frequency attached by ClinVar (database versions not stated): gnomAD exomes below 0.00001.
gnomAD v4.1: 1 of 1,547,518 alleles (0.000065%); highest among the groups gnomAD compares: Non-Finnish European, 0.000087%; no homozygotes.

Submissions (2):

Labcorp Genetics (formerly Invitae), Labcorp
Classification: Uncertain significance. Last evaluated: 2025-07-22. Review status: criteria provided, single submitter. Criteria: Invitae Variant Classification Sherloc (09022015). Collection method: clinical testing. Allele origin: germline.
Comment: This sequence change falls in intron 9 of the LZTR1 gene. It does not directly change the encoded amino acid sequence of the LZTR1 protein. It affects a nucleotide within the consensus splice site. This variant is not present in population databases (gnomAD no frequency). This variant has not been reported in the literature in individuals affected with LZTR1-related conditions. ClinVar contains an entry for this variant (Variation ID: 1768649). Variants that disrupt the consensus splice site are a relatively common cause of aberrant splicing (PMID: 17576681, 9536098). Algorithms developed to predict the effect of sequence changes on RNA splicing suggest that this variant may disrupt the consensus splice site. In summary, the available evidence is currently insufficient to determine the role of this variant in disease. Therefore, it has been classified as a Variant of Uncertain Significance.

Ambry Genetics
Classification: Uncertain significance for Cardiovascular phenotype; Hereditary cancer-predisposing syndrome. Last evaluated: 2021-08-20. Review status: criteria provided, single submitter. Criteria: Ambry Variant Classification Scheme 2023. Collection method: clinical testing. Allele origin: germline.
Comment: The c.993+4A>T intronic variant results from an A to T substitution 4 nucleotides after coding exon 9 in the LZTR1 gene. This nucleotide position is well conserved in available vertebrate species. In silico splice site analysis predicts that this alteration will result in the creation or strengthening of a novel splice donor site. Since supporting evidence is limited at this time, the clinical significance of this alteration remains unclear.

Literature cited by the submitters: PubMed 17576681 (cited by Labcorp Genetics (formerly Invitae), Labcorp); PubMed 9536098 (cited by Labcorp Genetics (formerly Invitae), Labcorp).

NM_006767.4(LZTR1):c.993+4A>T

Gene: LZTR1 (leucine zipper like post translational regulator 1; plus strand). Cytogenetic location: 22q11.21.
Variant type: single nucleotide variant.
Coding change: c.993+4A>T on transcript NM_006767.4 (MANE Select); 4 bases into the intron after coding-DNA position 993, A replaced by T.
Molecular consequence: intron variant.
Genome position (GRCh38, 1-based): chr22:20,991,833, A>T. VCF-style: chr22-20991833-A-T. GRCh37 (hg19) VCF-style: chr22-21346122-A-T.
Identifiers: ClinVar variation 1768649 (VCV001768649.4), dbSNP rs2518617430, ClinGen allele CA2580099221.